The following is an entry in ClinVar:

NM_016292.3(TRAP1):c.2027C>T (p.Ala676Val)

Genes: DNASE1 (deoxyribonuclease 1; plus strand), TRAP1 (TNF receptor associated protein 1; minus strand). Cytogenetic location: 16p13.3.
Variant type: single nucleotide variant.
Coding change: c.2027C>T on transcript NM_016292.3 (MANE Select); coding-DNA position 2027, C replaced by T.
Protein change: p.Ala676Val; replaces alanine 676 with valine.
Molecular consequence: missense variant. On other transcripts: intron variant (1).
Genome position (GRCh38, 1-based): chr16:3,658,217, G>A on the plus strand (C>T on the coding strand, the complement: TRAP1 is on the minus strand). VCF-style: chr16-3658217-G-A. GRCh37 (hg19) VCF-style: chr16-3708218-G-A.
Other names: c.1868C>T, p.Ala623Val (NM_001272049.2); c.*21+350G>A (NM_001387140.1); short protein forms A623V, A676V.
Identifiers: ClinVar variation 2314999 (VCV002314999.3), dbSNP rs145077996, ClinGen allele CA7867639.
Genomic context (GRCh38, chr16:3,658,217, plus strand): 5'-AGCTCATTCAAGCGGCCCACCATGGCCCTAGGGTCGTCAACAAGTCCAGCAGCAATCATG[G>A]CGTTCTCGTATATCTGAAAGGCAAGAGGAGAAACCCATTATGAGGGGCATGGGGCACCTT-3'
Protein context (NP_057376.2, residues 666-686): QLLVDQIYEN[Ala676Val]MIAAGLVDDP

ClinVar aggregate classification (germline): Uncertain significance. Review status: criteria provided, multiple submitters, no conflicts (2 of 4 stars). 2 submissions from 2 submitters: Uncertain significance (2). Last evaluated 2025-08-04.

Allele frequency attached by ClinVar (database versions not stated): gnomAD 0.00003; ESP Exome Variant Server 0.00008; gnomAD exomes 0.00003; TOPMed 0.00004; ExAC 0.00004.
gnomAD v4.1: 48 of 1,613,770 alleles (0.003%); highest among the groups gnomAD compares: Non-Finnish European, 0.004%; no homozygotes.

Submissions (2):

Labcorp Genetics (formerly Invitae), Labcorp
Classification: Uncertain significance. Last evaluated: 2025-08-04. Review status: criteria provided, single submitter. Criteria: Invitae Variant Classification Sherloc (09022015). Collection method: clinical testing. Allele origin: germline.
Comment: This sequence change replaces alanine, which is neutral and non-polar, with valine, which is neutral and non-polar, at codon 676 of the TRAP1 protein (p.Ala676Val). This variant is present in population databases (rs145077996, gnomAD 0.005%). This variant has not been reported in the literature in individuals affected with TRAP1-related conditions. ClinVar contains an entry for this variant (Variation ID: 2314999). Invitae Evidence Modeling of protein sequence and biophysical properties (such as structural, functional, and spatial information, amino acid conservation, physicochemical variation, residue mobility, and thermodynamic stability) indicates that this missense variant is not expected to disrupt TRAP1 protein function with a negative predictive value of 80%. In summary, the available evidence is currently insufficient to determine the role of this variant in disease. Therefore, it has been classified as a Variant of Uncertain Significance.

Ambry Genetics
Classification: Uncertain significance. Last evaluated: 2024-12-04. Review status: criteria provided, single submitter. Criteria: Ambry Variant Classification Scheme 2023. Collection method: clinical testing. Allele origin: germline.